The following is an entry in ClinVar:

NM_001083619.3(GRIA2):c.2124C>T (p.Ala708=)

Gene: GRIA2 (glutamate ionotropic receptor AMPA type subunit 2; plus strand). Cytogenetic location: 4q32.1.
Variant type: single nucleotide variant.
Coding change: c.2124C>T on transcript NM_001083619.3 (MANE Select); coding-DNA position 2124, C replaced by T.
Protein change: p.Ala708=; no amino-acid change (alanine 708 retained).
Molecular consequence: synonymous variant.
Genome position (GRCh38, 1-based): chr4:157,359,976, C>T. VCF-style: chr4-157359976-C-T. GRCh37 (hg19) VCF-style: chr4-158281128-C-T.
Other names: c.2124C>T, p.Ala708= (NM_000826.6); c.1983C>T, p.Ala661= (NM_001083620.3, NM_001379000.3, NM_001379001.3).
Identifiers: ClinVar variation 724491 (VCV000724491.27), dbSNP rs143272523, ClinGen allele CA3120488.

ClinVar aggregate classification (germline): Likely benign. Review status: criteria provided, multiple submitters, no conflicts (2 of 4 stars). 2 submissions from 2 submitters: Likely benign (2). Last evaluated 2024-09-01.

Allele frequency attached by ClinVar (database versions not stated): 1000 Genomes Project 30x 0.00016; ExAC 0.00017; 1000 Genomes Project 0.00020; gnomAD exomes 0.00024 and 0.00039; ESP Exome Variant Server 0.00031; TOPMed 0.00033; gnomAD 0.00036.
gnomAD v4.1: 624 of 1,613,754 alleles (0.039%); highest among the groups gnomAD compares: Non-Finnish European, 0.048%; no homozygotes.

Submissions (2):

CeGaT Center for Human Genetics Tuebingen
Classification: Likely benign. Last evaluated: 2024-09-01. Review status: criteria provided, single submitter. Criteria: CeGaT Center For Human Genetics Tuebingen Variant Classification Criteria Version 2. Collection method: clinical testing. Allele origin: germline. Affected: yes. Observed: 5 variant alleles.
Comment: GRIA2: BP4, BP7

Labcorp Genetics (formerly Invitae), Labcorp
Classification: Likely benign. Last evaluated: 2018-12-26. Review status: criteria provided, single submitter. Criteria: Invitae Variant Classification Sherloc (09022015). Collection method: clinical testing. Allele origin: germline.